The following is an entry in ClinVar:

NM_000128.4(F11):c.1634G>A (p.Cys545Tyr)

Genes: F11 (coagulation factor XI; plus strand), F11-AS1 (F11 antisense RNA 1; minus strand). Cytogenetic location: 4q35.2.
Variant type: single nucleotide variant.
Coding change: c.1634G>A on transcript NM_000128.4 (MANE Select); coding-DNA position 1634, G replaced by A.
Protein change: p.Cys545Tyr; replaces cysteine 545 with tyrosine.
Molecular consequence: missense variant.
Genome position (GRCh38, 1-based): chr4:186,287,741, G>A. VCF-style: chr4-186287741-G-A. GRCh37 (hg19) VCF-style: chr4-187208895-G-A.
Other names: short protein forms C545Y.
Identifiers: ClinVar variation 2582715 (VCV002582715.2), dbSNP rs1267979731, ClinGen allele CA358945569.

ClinVar aggregate classification (germline): Likely pathogenic. Review status: criteria provided, single submitter (1 of 4 stars). 2 submissions from 2 submitters: Likely pathogenic (1). 1 of the submissions does not count toward it. Last evaluated 2025-07-29.

Conditions:
Plasma factor XI deficiency.
Hereditary factor XI deficiency disease. Also called: Congenital factor XI deficiency; PLASMA THROMBOPLASTIN ANTECEDENT DEFICIENCY; PTA DEFICIENCY; ROSENTHAL SYNDROME. Identifiers: Orphanet 329, MedGen C0015523, MeSH D005173, MONDO:0012897, OMIM 612416.

Allele frequency attached by ClinVar (database versions not stated): gnomAD exomes below 0.00001.
gnomAD v4.1: 2 of 1,613,672 alleles (0.00012%); highest among the groups gnomAD compares: Non-Finnish European, 0.00017%; no homozygotes.

Submissions (2):

Natera, Inc.
Classification: Likely pathogenic for Plasma factor XI deficiency. Last evaluated: 2025-07-29. Review status: criteria provided, single submitter. Criteria: Natera Variant Classification Schema (03/2026). Collection method: clinical testing. Allele origin: germline.
Comment: The c.1634G>A variant in F11 is a missense variant predicted to cause substitution of cysteine to tyrosine at amino acid 545. This variant is rare in the general population with a frequency below the threshold expected for the associated phenotype(s). This variant has been observed in one or more individuals affected with the associated recessive disease, as either homozygous or compound heterozygous with a second variant (PMID: 18024374). Functional studies show that this variant may disrupt protein function (PMID: 18024374). Computational prediction algorithms indicate this variant is likely to affect gene or protein function. Given the available evidence, this variant is classified as Likely Pathogenic.

Zotz-Klimas Genetics Lab, MVZ Zotz Klimas
Classification: Uncertain significance for Hereditary factor XI deficiency disease. Last evaluated: 2023-10-09. Review status: no assertion criteria provided. Collection method: clinical testing. Allele origin: germline. Affected: yes. Not counted in ClinVar's aggregate classification.

Literature cited by the submitters: PubMed 18024374 (cited by Natera, Inc.).